The following is an entry in ClinVar:

NM_153365.3(TAPT1):c.50G>A (p.Gly17Asp)

Gene: TAPT1 (transmembrane anterior posterior transformation 1; minus strand). Cytogenetic location: 4p15.32.
Variant type: single nucleotide variant.
Coding change: c.50G>A on transcript NM_153365.3 (MANE Select); coding-DNA position 50, G replaced by A.
Protein change: p.Gly17Asp; replaces glycine 17 with aspartic acid.
Molecular consequence: missense variant.
Genome position (GRCh38, 1-based): chr4:16,226,408, C>T on the plus strand (G>A on the coding strand, the complement: TAPT1 is on the minus strand). VCF-style: chr4-16226408-C-T. GRCh37 (hg19) VCF-style: chr4-16228031-C-T.
Other names: short protein forms G17D.
Identifiers: ClinVar variation 1508242 (VCV001508242.8), dbSNP rs1055155801, ClinGen allele CA93026031.

ClinVar aggregate classification (germline): Uncertain significance (1 of 4 stars; one submission).

Allele frequency attached by ClinVar (database versions not stated): TOPMed 0.00001.

Submission:

Labcorp Genetics (formerly Invitae), Labcorp
Classification: Uncertain significance. Last evaluated: 2022-02-04. Review status: criteria provided, single submitter. Criteria: Invitae Variant Classification Sherloc (09022015). Collection method: clinical testing. Allele origin: germline.
Comment: This sequence change replaces glycine, which is neutral and non-polar, with aspartic acid, which is acidic and polar, at codon 17 of the TAPT1 protein (p.Gly17Asp). The frequency data for this variant in the population databases is considered unreliable, as metrics indicate insufficient coverage at this position in the gnomAD database. This variant has not been reported in the literature in individuals affected with TAPT1-related conditions. Algorithms developed to predict the effect of missense changes on protein structure and function are either unavailable or do not agree on the potential impact of this missense change (SIFT: "Tolerated"; PolyPhen-2: "Not Available"; Align-GVGD: "Class C0"). In summary, the available evidence is currently insufficient to determine the role of this variant in disease. Therefore, it has been classified as a Variant of Uncertain Significance.